The following is an entry in ClinVar:

ClinVar aggregate classification (germline): Uncertain significance (1 of 4 stars; one submission).

Conditions:
Temtamy preaxial brachydactyly syndrome (TPBS). Identifiers: Orphanet 363417, MedGen C1854466, MONDO:0011533, OMIM 605282.

Allele frequency attached by ClinVar (database versions not stated): gnomAD 0.00001; gnomAD exomes 0.00001 and 0.00003; TOPMed 0.00002; ExAC 0.00005.
gnomAD v4.1: 15 of 1,607,772 alleles (0.00093%); highest among the groups gnomAD compares: South Asian, 0.0088%; no homozygotes.

Submission:

Labcorp Genetics (formerly Invitae), Labcorp
Classification: Uncertain significance for Temtamy preaxial brachydactyly syndrome. Last evaluated: 2021-03-24. Review status: criteria provided, single submitter. Criteria: Invitae Variant Classification Sherloc (09022015). Collection method: clinical testing. Allele origin: germline.
Comment: This sequence change replaces alanine with serine at codon 490 of the CHSY1 protein (p.Ala490Ser). The alanine residue is moderately conserved and there is a moderate physicochemical difference between alanine and serine. This variant is present in population databases (rs756263767, ExAC 0.02%). This variant has not been reported in the literature in individuals with CHSY1-related conditions. Algorithms developed to predict the effect of missense changes on protein structure and function are either unavailable or do not agree on the potential impact of this missense change (SIFT: "Deleterious"; PolyPhen-2: "Benign"; Align-GVGD: "Class C0"). In summary, the available evidence is currently insufficient to determine the role of this variant in disease. Therefore, it has been classified as a Variant of Uncertain Significance.

NM_014918.5(CHSY1):c.1468G>T (p.Ala490Ser)

Gene: CHSY1 (chondroitin sulfate synthase 1; minus strand). Cytogenetic location: 15q26.3.
Variant type: single nucleotide variant.
Coding change: c.1468G>T on transcript NM_014918.5 (MANE Select); coding-DNA position 1468, G replaced by T.
Protein change: p.Ala490Ser; replaces alanine 490 with serine.
Molecular consequence: missense variant.
Genome position (GRCh38, 1-based): chr15:101,178,329, C>A on the plus strand (G>T on the coding strand, the complement: CHSY1 is on the minus strand). VCF-style: chr15-101178329-C-A. GRCh37 (hg19) VCF-style: chr15-101718534-C-A.
Other names: short protein forms A490S.
Identifiers: ClinVar variation 1432896 (VCV001432896.8), dbSNP rs756263767, ClinGen allele CA7762524.